The following is an entry in ClinVar:

ClinVar aggregate classification (germline): Uncertain significance (1 of 4 stars; one submission).

Conditions:
Werner syndrome (WRN). Identifiers: Orphanet 902, MedGen C0043119, MONDO:0010196, OMIM 277700.

Submission:

Labcorp Genetics (formerly Invitae), Labcorp
Classification: Uncertain significance for Werner syndrome. Last evaluated: 2022-08-30. Review status: criteria provided, single submitter. Criteria: Invitae Variant Classification Sherloc (09022015). Collection method: clinical testing. Allele origin: germline.
Comment: This variant is not present in population databases (gnomAD no frequency). In summary, the available evidence is currently insufficient to determine the role of this variant in disease. Therefore, it has been classified as a Variant of Uncertain Significance. Algorithms developed to predict the effect of missense changes on protein structure and function are either unavailable or do not agree on the potential impact of this missense change (SIFT: "Not Available"; PolyPhen-2: "Probably Damaging"; Align-GVGD: "Not Available"). This variant has not been reported in the literature in individuals affected with WRN-related conditions. This sequence change replaces leucine, which is neutral and non-polar, with phenylalanine, which is neutral and non-polar, at codon 718 of the WRN protein (p.Leu718Phe).

NM_000553.6(WRN):c.2154A>C (p.Leu718Phe)

Gene: WRN (WRN RecQ like helicase; plus strand). Cytogenetic location: 8p12.
Variant type: single nucleotide variant.
Coding change: c.2154A>C on transcript NM_000553.6 (MANE Select); coding-DNA position 2154, A replaced by C.
Protein change: p.Leu718Phe; replaces leucine 718 with phenylalanine.
Molecular consequence: missense variant.
Genome position (GRCh38, 1-based): chr8:31,111,680, A>C. VCF-style: chr8-31111680-A-C. GRCh37 (hg19) VCF-style: chr8-30969196-A-C.
Other names: short protein forms L718F.
Identifiers: ClinVar variation 1942457 (VCV001942457.5), dbSNP rs1801322869, ClinGen allele CA370912593.